The following is an entry in ClinVar:

ClinVar aggregate classification (germline): Uncertain significance. Review status: criteria provided, multiple submitters, no conflicts (2 of 4 stars). 2 submissions from 2 submitters: Uncertain significance (2). Last evaluated 2022-11-15.

Allele frequency attached by ClinVar (database versions not stated): ExAC 0.00004; gnomAD 0.00005; gnomAD exomes 0.00005; TOPMed 0.00008; 1000 Genomes Project 30x 0.00016; 1000 Genomes Project 0.00020.

Submissions (2):

Blueprint Genetics
Classification: Uncertain significance. Last evaluated: 2022-11-15. Review status: criteria provided, single submitter. Criteria: ACMG Guidelines, 2015. Collection method: clinical testing. Allele origin: germline.

Labcorp Genetics (formerly Invitae), Labcorp
Classification: Uncertain significance. Last evaluated: 2022-05-13. Review status: criteria provided, single submitter. Criteria: Invitae Variant Classification Sherloc (09022015). Collection method: clinical testing. Allele origin: germline.
Comment: This sequence change replaces leucine, which is neutral and non-polar, with glutamine, which is neutral and polar, at codon 426 of the GLYCTK protein (p.Leu426Gln). This variant is present in population databases (rs181116746, gnomAD 0.06%). This variant has not been reported in the literature in individuals affected with GLYCTK-related conditions. Algorithms developed to predict the effect of missense changes on protein structure and function (SIFT, PolyPhen-2, Align-GVGD) all suggest that this variant is likely to be disruptive. In summary, the available evidence is currently insufficient to determine the role of this variant in disease. Therefore, it has been classified as a Variant of Uncertain Significance.

NM_145262.4(GLYCTK):c.1277T>A (p.Leu426Gln)

Gene: GLYCTK (glycerate kinase; plus strand). Cytogenetic location: 3p21.2.
Variant type: single nucleotide variant.
Coding change: c.1277T>A on transcript NM_145262.4 (MANE Select); coding-DNA position 1277, T replaced by A.
Protein change: p.Leu426Gln; replaces leucine 426 with glutamine.
Molecular consequence: missense variant. On other transcripts: 3 prime UTR variant (1), non-coding transcript variant (2).
Genome position (GRCh38, 1-based): chr3:52,292,831, T>A. VCF-style: chr3-52292831-T-A. GRCh37 (hg19) VCF-style: chr3-52326847-T-A.
Other names: c.*396T>A (NM_001144951.2); short protein forms L426Q.
Identifiers: ClinVar variation 2165213 (VCV002165213.2), dbSNP rs181116746, ClinGen allele CA2432285.